The following is an entry in ClinVar:

NM_001005242.3(PKP2):c.223G>C (p.Gly75Arg)

Gene: PKP2 (plakophilin 2; minus strand). Cytogenetic location: 12p11.21.
Variant type: single nucleotide variant.
Coding change: c.223G>C on transcript NM_001005242.3 (MANE Select); coding-DNA position 223, G replaced by C.
Protein change: p.Gly75Arg; replaces glycine 75 with arginine.
Molecular consequence: missense variant.
Genome position (GRCh38, 1-based): chr12:32,896,509, C>G on the plus strand (G>C on the coding strand, the complement: PKP2 is on the minus strand). VCF-style: chr12-32896509-C-G. GRCh37 (hg19) VCF-style: chr12-33049443-C-G.
Other names: c.223G>C, p.Gly75Arg (NM_004572.4); short protein forms G75R.
Identifiers: ClinVar variation 1171419 (VCV001171419.2), dbSNP rs765852160, ClinGen allele CA384370370.

ClinVar aggregate classification (germline): Uncertain significance (1 of 4 stars; one submission).

Conditions:
Cardiomyopathy (CMYO). Also called: Cardiomyopathies. Identifiers: Orphanet 167848, MedGen C0878544, MONDO:0004994, HP:0001638. Inheritance: Various modes of inheritance.

gnomAD v4.1: 8 of 1,517,314 alleles (0.00053%); highest among the groups gnomAD compares: Non-Finnish European, 0.0007%; no homozygotes.

Submission:

Color Diagnostics, LLC DBA Color Health
Classification: Uncertain significance for Cardiomyopathy. Last evaluated: 2020-09-08. Review status: criteria provided, single submitter. Criteria: ACMG Guidelines, 2015. Collection method: clinical testing. Allele origin: germline.
Comment: This missense variant replaces glycine with arginine at codon 75 of the PKP2 protein. Computational prediction is inconclusive regarding the impact of this variant on protein structure and function (internally defined REVEL score threshold 0.5 < inconclusive < 0.7, PMID: 27666373). To our knowledge, functional studies have not been reported for this variant. This variant has not been reported in individuals affected with cardiovascular disorders in the literature. This variant has not been identified in the general population by the Genome Aggregation Database (gnomAD). The available evidence is insufficient to determine the role of this variant in disease conclusively. Therefore, this variant is classified as a Variant of Uncertain Significance.